The following is an entry in ClinVar:

NM_000492.4(CFTR):c.1625G>A (p.Gly542Glu)

Genes: CFTR (CF transmembrane conductance regulator; plus strand), LOC111674475 (CFTR intron 11 enhancer; plus strand). Cytogenetic location: 7q31.2.
Variant type: single nucleotide variant.
Coding change: c.1625G>A on transcript NM_000492.4 (MANE Select); coding-DNA position 1625, G replaced by A.
Protein change: p.Gly542Glu; replaces glycine 542 with glutamic acid.
Molecular consequence: missense variant.
Genome position (GRCh38, 1-based): chr7:117,587,779, G>A. VCF-style: chr7-117587779-G-A. GRCh37 (hg19) VCF-style: chr7-117227833-G-A.
Other names: short protein forms G542E.
Identifiers: ClinVar variation 2562518 (VCV002562518.8), dbSNP rs764314119, ClinGen allele CA4451047.
Genomic context (GRCh38, chr7:117,587,779, plus strand): 5'-TTTTCTATTTTTGGTAATAGGACATCTCCAAGTTTGCAGAGAAAGACAATATAGTTCTTG[G>A]AGAAGGTGGAATCACACTGAGTGGAGGTCAACGAGCAAGAATTTCTTTAGCAAGGTGAAT-3'
Protein context (NP_000483.3, residues 532-552): KFAEKDNIVL[Gly542Glu]EGGITLSGGQ

ClinVar aggregate classification (germline): Uncertain significance. Review status: criteria provided, multiple submitters, no conflicts (2 of 4 stars). 3 submissions from 3 submitters: Uncertain significance (3). Last evaluated 2026-04-20.

Conditions:
Cystic fibrosis (CF). Also called: MUCOVISCIDOSIS. Identifiers: Orphanet 586, MedGen C0010674, MONDO:0009061, OMIM 219700. Disease mechanism: loss of function.

Allele frequency attached by ClinVar (database versions not stated): TOPMed below 0.00001; ExAC 0.00001; gnomAD exomes 0.00001.
gnomAD v4.1: 3 of 1,612,276 alleles (0.00019%); highest among the groups gnomAD compares: Admixed American, 0.005%; no homozygotes.

Submissions (3):

Women's Health and Genetics/Laboratory Corporation of America, LabCorp
Classification: Uncertain significance. Last evaluated: 2026-04-20. Review status: criteria provided, single submitter. Criteria: LabCorp Variant Classification Summary - May 2015. Collection method: clinical testing. Allele origin: germline.
Comment: Variant summary: CFTR c.1625G>A (p.Gly542Glu) results in a non-conservative amino acid change in the encoded protein sequence. Algorithms developed to predict the effect of missense changes on protein structure and function all suggest that this variant is likely to be disruptive. The variant allele was found at a frequency of 1.2e-05 in 250934 control chromosomes. The available data on variant occurrences in the general population are insufficient to allow any conclusion about variant significance. To our knowledge, no occurrence of c.1625G>A in individuals affected with CFTR-related conditions has been reported. At least one publication reports experimental evidence evaluating an impact on protein function. These results showed no damaging effect of this variant on chloride channel conductance relative to wild type (Bihler_2024). ClinVar contains an entry for this variant (Variation ID: 2562518). Based on the evidence outlined above, the variant was classified as uncertain significance.

Labcorp Genetics (formerly Invitae), Labcorp
Classification: Uncertain significance for Cystic fibrosis. Last evaluated: 2025-02-25. Review status: criteria provided, single submitter. Criteria: Invitae Variant Classification Sherloc (09022015). Collection method: clinical testing. Allele origin: germline.
Comment: This sequence change replaces glycine, which is neutral and non-polar, with glutamic acid, which is acidic and polar, at codon 542 of the CFTR protein (p.Gly542Glu). This variant is present in population databases (rs764314119, gnomAD 0.009%). This variant has not been reported in the literature in individuals affected with CFTR-related conditions. ClinVar contains an entry for this variant (Variation ID: 2562518). Invitae Evidence Modeling of protein sequence and biophysical properties (such as structural, functional, and spatial information, amino acid conservation, physicochemical variation, residue mobility, and thermodynamic stability) indicates that this missense variant is expected to disrupt CFTR protein function with a positive predictive value of 80%. In summary, the available evidence is currently insufficient to determine the role of this variant in disease. Therefore, it has been classified as a Variant of Uncertain Significance.

Ambry Genetics
Classification: Uncertain significance for Cystic fibrosis. Last evaluated: 2023-06-01. Review status: criteria provided, single submitter. Criteria: Ambry Variant Classification Scheme 2023. Collection method: clinical testing. Allele origin: germline.
Comment: The p.G542E variant (also known as c.1625G>A), located in coding exon 12 of the CFTR gene, results from a G to A substitution at nucleotide position 1625. The glycine at codon 542 is replaced by glutamic acid, an amino acid with similar properties. This amino acid position is well conserved in available vertebrate species. In addition, this alteration is predicted to be deleterious by in silico analysis. Since supporting evidence is limited at this time, the clinical significance of this alteration remains unclear.

Literature cited by the submitters: PubMed 38388235 (cited by Women's Health and Genetics/Laboratory Corporation of America, LabCorp).